The following is an entry in ClinVar:

ClinVar aggregate classification (germline): Uncertain significance (1 of 4 stars; one submission).

Allele frequency attached by ClinVar (database versions not stated): gnomAD exomes below 0.00001.
gnomAD v4.1: 1 of 1,602,648 alleles (0.000062%); highest among the groups gnomAD compares: Non-Finnish European, 0.000085%; no homozygotes.

Submission:

Labcorp Genetics (formerly Invitae), Labcorp
Classification: Uncertain significance. Last evaluated: 2021-06-07. Review status: criteria provided, single submitter. Criteria: Invitae Variant Classification Sherloc (09022015). Collection method: clinical testing. Allele origin: germline.
Comment: This sequence change replaces alanine with valine at codon 134 of the TNFRSF11A protein (p.Ala134Val). The alanine residue is moderately conserved and there is a small physicochemical difference between alanine and valine. In summary, the available evidence is currently insufficient to determine the role of this variant in disease. Therefore, it has been classified as a Variant of Uncertain Significance. Algorithms developed to predict the effect of missense changes on protein structure and function are either unavailable or do not agree on the potential impact of this missense change (SIFT: "Tolerated"; PolyPhen-2: "Possibly Damaging"; Align-GVGD: "Class C0"). This variant has been observed in individual(s) with osteopetrosis (PMID: 22271396). This variant is not present in population databases (ExAC no frequency).

Literature cited by the submitters: PubMed 22271396.

NM_003839.4(TNFRSF11A):c.401C>T (p.Ala134Val)

Gene: TNFRSF11A (TNF receptor superfamily member 11a; plus strand). Cytogenetic location: 18q21.33.
Variant type: single nucleotide variant.
Coding change: c.401C>T on transcript NM_003839.4 (MANE Select); coding-DNA position 401, C replaced by T.
Protein change: p.Ala134Val; replaces alanine 134 with valine.
Molecular consequence: missense variant.
Genome position (GRCh38, 1-based): chr18:62,354,508, C>T. VCF-style: chr18-62354508-C-T. GRCh37 (hg19) VCF-style: chr18-60021741-C-T.
Other names: c.401C>T, p.Ala134Val (NM_001270949.2, NM_001270950.2, NM_001270951.2 and 1 more transcripts); short protein forms A134V.
Identifiers: ClinVar variation 1510488 (VCV001510488.8), dbSNP rs2145309468, ClinGen allele CA402612436.